The following is an entry in ClinVar:

Conditions:
Breast-ovarian cancer, familial, susceptibility to, 1 (BROVCA1). Also called: BRCA1 Hereditary Breast and Ovarian Cancer; OVARIAN CANCER, SUSCEPTIBILITY TO. Identifiers: Orphanet 145, MedGen C2676676, MONDO:0011450, OMIM 604370. Disease mechanism: loss of function.

Submission:

Brotman Baty Institute, University of Washington
No classification provided (evidence only). Condition: Breast-ovarian cancer, familial 1. Review status: no classification provided. Collection method: in vitro. Allele origin: not applicable. Functional consequence: functionally_normal.
ClinVar note: "not provided" was previously submitted as the classification for the variant. However, the classification appeared to be based only on an observation of functional data so it was converted to no classification on 2025-07-30.

NM_007294.4(BRCA1):c.4986+7G>T

Gene: BRCA1 (BRCA1 DNA repair associated; minus strand). Cytogenetic location: 17q21.31.
Variant type: single nucleotide variant.
Coding change: c.4986+7G>T on transcript NM_007294.4 (MANE Select); 7 bases into the intron after coding-DNA position 4986, G replaced by T.
Molecular consequence: intron variant.
Genome position (GRCh38, 1-based): chr17:43,070,921, C>A on the plus strand (G>T on the coding strand, the complement: BRCA1 is on the minus strand). VCF-style: chr17-43070921-C-A. GRCh37 (hg19) VCF-style: chr17-41222938-C-A.
Other names: c.4716+7G>T (NM_001407934.1, NM_001407935.1, NM_001407936.1); c.1413+7G>T (NM_001408497.1, NM_001408496.1, NM_001408499.1 and 3 more transcripts); c.1677+7G>T (NM_001407973.1, NM_001407975.1, NM_001407978.1 and 3 more transcripts); c.4986+7G>T (NM_001407596.1, NM_001407602.1, NM_001407597.1 and 8 more transcripts); c.4098+7G>T (NM_001407966.1); c.4599+7G>T (NM_001407963.1); c.1293+7G>T (NM_001408511.1); c.1536+7G>T (NM_001408457.1, NM_001408454.1, NM_001408456.1 and 3 more transcripts); and 71 more.
Identifiers: ClinVar variation 868894 (VCV000868894.3), dbSNP rs2052352092, ClinGen allele CA916080192.